The following is an entry in ClinVar:

NM_002585.4(PBX1):c.49G>A (p.Ala17Thr)

Gene: PBX1 (PBX homeobox 1; plus strand). Cytogenetic location: 1q23.3.
Variant type: single nucleotide variant.
Coding change: c.49G>A on transcript NM_002585.4 (MANE Select); coding-DNA position 49, G replaced by A.
Protein change: p.Ala17Thr; replaces alanine 17 with threonine.
Molecular consequence: missense variant. On other transcripts: 5 prime UTR variant (1).
Genome position (GRCh38, 1-based): chr1:164,559,871, G>A. VCF-style: chr1-164559871-G-A. GRCh37 (hg19) VCF-style: chr1-164529108-G-A.
Other names: c.49G>A, p.Ala17Thr (NM_001204961.2, NM_001204963.2, NM_001353131.2); c.-127G>A (NM_001353130.1); short protein forms A17T.
Identifiers: ClinVar variation 4780881 (VCV004780881.1).

ClinVar aggregate classification (germline): Uncertain significance (1 of 4 stars; one submission).

Submission:

Labcorp Genetics (formerly Invitae), Labcorp
Classification: Uncertain significance. Last evaluated: 2025-06-27. Review status: criteria provided, single submitter. Criteria: Invitae Variant Classification Sherloc (09022015). Collection method: clinical testing. Allele origin: germline.
Comment: This sequence change replaces alanine, which is neutral and non-polar, with threonine, which is neutral and polar, at codon 17 of the PBX1 protein (p.Ala17Thr). This variant is not present in population databases (gnomAD no frequency). This variant has not been reported in the literature in individuals affected with PBX1-related conditions. An algorithm developed to predict the effect of missense changes on protein structure and function (PolyPhen-2) suggests that this variant is likely to be tolerated. In summary, the available evidence is currently insufficient to determine the role of this variant in disease. Therefore, it has been classified as a Variant of Uncertain Significance.